The following is an entry in ClinVar:

NM_178857.6(RP1L1):c.528G>C (p.Arg176Ser)

Gene: RP1L1 (RP1 like 1). Cytogenetic location: 8p23.1.
Variant type: single nucleotide variant.
Coding change: c.528G>C on transcript NM_178857.6 (MANE Select); coding-DNA position 528, G replaced by C.
Protein change: p.Arg176Ser; replaces arginine 176 with serine.
Molecular consequence: missense variant.
Genome position (GRCh38, 1-based): chr8:10,622,674, C>G on the plus strand (G>C on the coding strand, the complement: RP1L1 is on the minus strand). VCF-style: chr8-10622674-C-G. GRCh37 (hg19) VCF-style: chr8-10480184-C-G.
Other names: short protein forms R176S.
Identifiers: ClinVar variation 2751667 (VCV002751667.3), dbSNP rs1013780358, ClinGen allele CA370299898.

ClinVar aggregate classification (germline): Uncertain significance (1 of 4 stars; one submission).

Submission:

Labcorp Genetics (formerly Invitae), Labcorp
Classification: Uncertain significance. Last evaluated: 2023-08-10. Review status: criteria provided, single submitter. Criteria: Invitae Variant Classification Sherloc (09022015). Collection method: clinical testing. Allele origin: germline.
Comment: This sequence change replaces arginine, which is basic and polar, with serine, which is neutral and polar, at codon 176 of the RP1L1 protein (p.Arg176Ser). This variant is not present in population databases (gnomAD no frequency). This variant has not been reported in the literature in individuals affected with RP1L1-related conditions. Advanced modeling of protein sequence and biophysical properties (such as structural, functional, and spatial information, amino acid conservation, physicochemical variation, residue mobility, and thermodynamic stability) performed at Invitae indicates that this missense variant is not expected to disrupt RP1L1 protein function. In summary, the available evidence is currently insufficient to determine the role of this variant in disease. Therefore, it has been classified as a Variant of Uncertain Significance.